The following is an entry in ClinVar:

ClinVar aggregate classification (germline): Uncertain significance (1 of 4 stars; one submission).

Allele frequency attached by ClinVar (database versions not stated): gnomAD exomes below 0.00001.

Submission:

Labcorp Genetics (formerly Invitae), Labcorp
Classification: Uncertain significance. Last evaluated: 2021-04-23. Review status: criteria provided, single submitter. Criteria: Invitae Variant Classification Sherloc (09022015). Collection method: clinical testing. Allele origin: germline.
Comment: This sequence change replaces lysine with arginine at codon 534 of the VCAN protein (p.Lys534Arg). The lysine residue is moderately conserved and there is a small physicochemical difference between lysine and arginine. This variant has not been reported in the literature in individuals with VCAN-related conditions. This variant is not present in population databases (ExAC no frequency). Algorithms developed to predict the effect of missense changes on protein structure and function output the following: SIFT: "Tolerated"; PolyPhen-2: "Benign"; Align-GVGD: "Class C0". The arginine amino acid residue is found in multiple mammalian species, suggesting that this missense change does not adversely affect protein function. These predictions have not been confirmed by published functional studies and their clinical significance is uncertain. In summary, the available evidence is currently insufficient to determine the role of this variant in disease. Therefore, it has been classified as a Variant of Uncertain Significance.

NM_004385.5(VCAN):c.1601A>G (p.Lys534Arg)

Gene: VCAN (versican; plus strand). Cytogenetic location: 5q14.3.
Variant type: single nucleotide variant.
Coding change: c.1601A>G on transcript NM_004385.5 (MANE Select); coding-DNA position 1601, A replaced by G.
Protein change: p.Lys534Arg; replaces lysine 534 with arginine.
Molecular consequence: missense variant. On other transcripts: intron variant (2).
Genome position (GRCh38, 1-based): chr5:83,519,907, A>G. VCF-style: chr5-83519907-A-G. GRCh37 (hg19) VCF-style: chr5-82815726-A-G.
Other names: c.1601A>G, p.Lys534Arg (NM_001164098.2); c.1042+7511A>G (NM_001164097.2, NM_001126336.3); short protein forms K534R.
Identifiers: ClinVar variation 854230 (VCV000854230.9), dbSNP rs1394512688, ClinGen allele CA360301181.
Genomic context (GRCh38, chr5:83,519,907, plus strand): 5'-CTGTAACTGAAACACCATTGGTAACTGCAAGAATGATCCTGGAATCCAAAACTGAAAAGA[A>G]AATGGTAAGCACTGTTTCTGAATTGGTAACCACAGGTCACTATGGATTCACCTTGGGAGA-3'
Protein context (NP_004376.2, residues 524-544): RMILESKTEK[Lys534Arg]MVSTVSELVT